The following is an entry in ClinVar:

ClinVar aggregate classification (germline): Uncertain significance (1 of 4 stars; one submission).

Submission:

Labcorp Genetics (formerly Invitae), Labcorp
Classification: Uncertain significance. Last evaluated: 2022-11-22. Review status: criteria provided, single submitter. Criteria: Invitae Variant Classification Sherloc (09022015). Collection method: clinical testing. Allele origin: germline.
Comment: In summary, the available evidence is currently insufficient to determine the role of this variant in disease. Therefore, it has been classified as a Variant of Uncertain Significance. Algorithms developed to predict the effect of missense changes on protein structure and function are either unavailable or do not agree on the potential impact of this missense change (SIFT: "Tolerated"; PolyPhen-2: "Possibly Damaging"; Align-GVGD: "Class C0"). ClinVar contains an entry for this variant (Variation ID: 1363438). This variant has not been reported in the literature in individuals affected with ANLN-related conditions. This variant is not present in population databases (gnomAD no frequency). This sequence change replaces glutamic acid, which is acidic and polar, with lysine, which is basic and polar, at codon 151 of the ANLN protein (p.Glu151Lys).

NM_018685.5(ANLN):c.451G>A (p.Glu151Lys)

Gene: ANLN (anillin, actin binding protein; plus strand). Cytogenetic location: 7p14.2.
Variant type: single nucleotide variant.
Coding change: c.451G>A on transcript NM_018685.5 (MANE Select); coding-DNA position 451, G replaced by A.
Protein change: p.Glu151Lys; replaces glutamic acid 151 with lysine.
Molecular consequence: missense variant.
Genome position (GRCh38, 1-based): chr7:36,399,357, G>A. VCF-style: chr7-36399357-G-A. GRCh37 (hg19) VCF-style: chr7-36438966-G-A.
Other names: c.451G>A, p.Glu151Lys (NM_001284301.3, NM_001284302.3); short protein forms E151K.
Identifiers: ClinVar variation 1363438 (VCV001363438.8), dbSNP rs2116527606, ClinGen allele CA367204784.